The following is an entry in ClinVar:

ClinVar aggregate classification (germline): Benign. Review status: criteria provided, multiple submitters, no conflicts (2 of 4 stars). 6 submissions from 5 submitters: Benign (6). Last evaluated 2026-02-02.

Conditions:
Developmental and epileptic encephalopathy, 28 (DEE28). Also called: Epileptic encephalopathy, early infantile, 28. Identifiers: Orphanet 442835, MedGen C4015519, MONDO:0014533, OMIM 616211.
Autosomal recessive spinocerebellar ataxia 12. Also called: SPINOCEREBELLAR ATAXIA WITH MENTAL RETARDATION AND EPILEPSY. Identifiers: Orphanet 284282, MedGen C3280452, MONDO:0013687, OMIM 614322.
Developmental and epileptic encephalopathy, 1 (DEE1). Also called: Epileptic encephalopathy, early infantile, 1; X-linked infantile spasms; West's syndrome; Tonic spasms with clustering, arrest of psychomotor development and hypsarrhythmia on EEG; X-Linked Infantile Spasm Syndrome; OHTAHARA SYNDROME, X-LINKED. Identifiers: MedGen C3463992, MONDO:0010632, OMIM 308350. Disease mechanism: loss of function.

Allele frequency attached by ClinVar (database versions not stated): ESP Exome Variant Server 0.00435; 1000 Genomes Project 30x 0.00437; 1000 Genomes Project 0.00439; TOPMed 0.00479.
gnomAD v4.1: 1,324 of 1,614,206 alleles (0.082%); highest among the groups gnomAD compares: African/African-American, 1.6%; 12 homozygotes.

Submissions (6):

Labcorp Genetics (formerly Invitae), Labcorp
Classification: Benign for Developmental and epileptic encephalopathy, 1; Autosomal recessive spinocerebellar ataxia 12. Last evaluated: 2026-02-02. Review status: criteria provided, single submitter. Criteria: Invitae Variant Classification Sherloc (09022015). Collection method: clinical testing. Allele origin: germline.

CeGaT Center for Human Genetics Tuebingen
Classification: Benign. Last evaluated: 2023-09-01. Review status: criteria provided, single submitter. Criteria: CeGaT Center For Human Genetics Tuebingen Variant Classification Criteria Version 2. Collection method: clinical testing. Allele origin: germline. Affected: yes. Observed: 2 variant alleles.
Comment: WWOX: BP4, BP7, BS1, BS2

Genome-Nilou Lab
Classification: Benign for Developmental and epileptic encephalopathy, 28. Last evaluated: 2021-12-05. Review status: criteria provided, single submitter. Criteria: ACMG Guidelines, 2015. Collection method: clinical testing. Allele origin: germline. Affected: no.

Genome-Nilou Lab
Classification: Benign for Autosomal recessive spinocerebellar ataxia 12. Last evaluated: 2021-12-05. Review status: criteria provided, single submitter. Criteria: ACMG Guidelines, 2015. Collection method: clinical testing. Allele origin: germline. Affected: no.

GeneDx
Classification: Benign. Last evaluated: 2016-11-28. Review status: criteria provided, single submitter. Criteria: GeneDx Variant Classification (06012015). Collection method: clinical testing. Allele origin: germline. Affected: yes.
Comment: This variant is considered likely benign or benign based on one or more of the following criteria: it is a conservative change, it occurs at a poorly conserved position in the protein, it is predicted to be benign by multiple in silico algorithms, and/or has population frequency not consistent with disease.

Breakthrough Genomics
Classification: Benign. Review status: criteria provided, single submitter. Criteria: ACMG Guidelines, 2015. Collection method: not provided. Allele origin: germline. Inheritance: Autosomal recessive inheritance. Affected: yes.

NM_016373.4(WWOX):c.876T>C (p.Ala292=)

Gene: WWOX (WW domain containing oxidoreductase; plus strand). Cytogenetic location: 16q23.1.
Variant type: single nucleotide variant.
Coding change: c.876T>C on transcript NM_016373.4 (MANE Select); coding-DNA position 876, T replaced by C.
Protein change: p.Ala292=; no amino-acid change (alanine 292 retained).
Molecular consequence: synonymous variant.
Genome position (GRCh38, 1-based): chr16:78,432,572, T>C. VCF-style: chr16-78432572-T-C. GRCh37 (hg19) VCF-style: chr16-78466469-T-C.
Other names: c.537T>C, p.Ala179= (NM_001291997.2).
Identifiers: ClinVar variation 382727 (VCV000382727.40), dbSNP rs74030232, ClinGen allele CA8183530.